The following is an entry in ClinVar:

ClinVar aggregate classification (germline): Uncertain significance (1 of 4 stars; one submission).

Conditions:
Hereditary cancer-predisposing syndrome. Also called: Hereditary neoplastic syndrome; Hereditary Cancer Syndrome; Neoplastic Syndromes, Hereditary; Tumor predisposition. Identifiers: Orphanet 140162, MedGen C0027672, MeSH D009386, MONDO:0015356.

Submission:

Color Diagnostics, LLC DBA Color Health
Classification: Uncertain significance for Hereditary cancer-predisposing syndrome. Last evaluated: 2024-03-06. Review status: criteria provided, single submitter. Criteria: ACMG Guidelines, 2015. Collection method: clinical testing. Allele origin: germline.
Comment: This missense variant replaces aspartic acid with valine at codon 48 of the PMS2 protein. Computational prediction suggests that this variant may have deleterious impact on protein structure and function (internally defined REVEL score threshold >= 0.7, PMID: 27666373). To our knowledge, functional studies have not been reported for this variant. This variant has not been reported in individuals affected with hereditary cancer in the literature. This variant has not been identified in the general population by the Genome Aggregation Database (gnomAD). The available evidence is insufficient to determine the role of this variant in disease conclusively. Therefore, this variant is classified as a Variant of Uncertain Significance.

NM_000535.7(PMS2):c.143A>T (p.Asp48Val)

Gene: PMS2 (PMS1 homolog 2, mismatch repair system component; minus strand). Cytogenetic location: 7p22.1.
Variant type: single nucleotide variant.
Coding change: c.143A>T on transcript NM_000535.7 (MANE Select); coding-DNA position 143, A replaced by T.
Protein change: p.Asp48Val; replaces aspartic acid 48 with valine.
Molecular consequence: missense variant. On other transcripts: 5 prime UTR variant (38), non-coding transcript variant (1), intron variant (7).
Genome position (GRCh38, 1-based): chr7:6,005,912, T>A on the plus strand (A>T on the coding strand, the complement: PMS2 is on the minus strand). VCF-style: chr7-6005912-T-A. GRCh37 (hg19) VCF-style: chr7-6045543-T-A.
Other names: c.-263A>T (NM_001018040.1, NM_001322003.2, NM_001322005.2 and 11 more transcripts); c.143A>T, p.Asp48Val (NM_001322006.2, NM_001322014.2, NM_001406868.1 and 10 more transcripts); c.-73A>T (NM_001322007.2, NM_001406876.1, NM_001406883.1 and 4 more transcripts); c.-742A>T (NM_001322011.2, NM_001322012.2); c.-342A>T (NM_001322015.2, NM_001406875.1, NM_001406877.1 and 2 more transcripts); c.329A>T, p.Asp110Val (NM_001406866.1); c.-289A>T (NM_001406880.1); c.-210A>T (NM_001406888.1, NM_001406889.1, NM_001406892.1 and 5 more transcripts); and 7 more; short protein forms D110V, D48V.
Identifiers: ClinVar variation 2774154 (VCV002774154.2), dbSNP rs2128844111, ClinGen allele CA366744980.